The following is an entry in ClinVar:

NM_022436.3(ABCG5):c.1814G>A (p.Gly605Glu)

Genes: ABCG5 (ATP binding cassette subfamily G member 5; minus strand), DYNC2LI1 (dynein cytoplasmic 2 light intermediate chain 1; plus strand). Cytogenetic location: 2p21.
Variant type: single nucleotide variant.
Coding change: c.1814G>A on transcript NM_022436.3 (MANE Select); coding-DNA position 1814, G replaced by A.
Protein change: p.Gly605Glu; replaces glycine 605 with glutamic acid.
Molecular consequence: missense variant. On other transcripts: intron variant (2).
Genome position (GRCh38, 1-based): chr2:43,813,258, C>T on the plus strand (G>A on the coding strand, the complement: ABCG5 is on the minus strand). VCF-style: chr2-43813258-C-T. GRCh37 (hg19) VCF-style: chr2-44040397-C-T.
Other names: c.*15+2734C>T (NM_001348913.2, NM_001348912.2); short protein forms G605E.
Identifiers: ClinVar variation 4826201 (VCV004826201.1).

ClinVar aggregate classification (germline): Uncertain significance (1 of 4 stars; one submission).

Conditions:
Cardiovascular phenotype. Identifiers: MedGen CN230736.

gnomAD v4.1: 1 of 1,613,992 alleles (0.000062%); highest among the groups gnomAD compares: South Asian, 0.0011%; no homozygotes.

Submission:

Ambry Genetics
Classification: Uncertain significance for Cardiovascular phenotype. Last evaluated: 2026-02-22. Review status: criteria provided, single submitter. Criteria: Ambry Variant Classification Scheme 2023. Collection method: clinical testing. Allele origin: germline.
Comment: The p.G605E variant (also known as c.1814G>A), located in coding exon 13 of the ABCG5 gene, results from a G to A substitution at nucleotide position 1814. The glycine at codon 605 is replaced by glutamic acid, an amino acid with similar properties. This amino acid position is conserved. In addition, this alteration is predicted to be deleterious by in silico analysis. Based on the available evidence, the clinical significance of this variant remains unclear.